The following is an entry in ClinVar:

ClinVar aggregate classification (germline): Uncertain significance (1 of 4 stars; one submission).

Conditions:
Treacher Collins syndrome 1 (TCS1). Also called: TCOF1-Related Treacher Collins Syndrome. Identifiers: Orphanet 861, MedGen CN315775, MONDO:0007944, OMIM 154500.

Allele frequency attached by ClinVar (database versions not stated): gnomAD exomes below 0.00001; gnomAD 0.00001.
gnomAD v4.1: 3 of 1,613,938 alleles (0.00019%); highest among the groups gnomAD compares: African/African-American, 0.004%; no homozygotes.

Submission:

Labcorp Genetics (formerly Invitae), Labcorp
Classification: Uncertain significance for Treacher Collins syndrome 1. Last evaluated: 2021-11-05. Review status: criteria provided, single submitter. Criteria: Invitae Variant Classification Sherloc (09022015). Collection method: clinical testing. Allele origin: germline.
Comment: This sequence change replaces glutamic acid, which is acidic and polar, with valine, which is neutral and non-polar, at codon 873 of the TCOF1 protein (p.Glu873Val). This variant is present in population databases (no rsID available, gnomAD 0.01%). This variant has not been reported in the literature in individuals affected with TCOF1-related conditions. Algorithms developed to predict the effect of missense changes on protein structure and function (SIFT, PolyPhen-2, Align-GVGD) all suggest that this variant is likely to be disruptive. In summary, the available evidence is currently insufficient to determine the role of this variant in disease. Therefore, it has been classified as a Variant of Uncertain Significance.

NM_001371623.1(TCOF1):c.2618A>T (p.Glu873Val)

Gene: TCOF1 (treacle ribosome biogenesis factor 1; plus strand). Cytogenetic location: 5q32.
Variant type: single nucleotide variant.
Coding change: c.2618A>T on transcript NM_001371623.1 (MANE Select); coding-DNA position 2618, A replaced by T.
Protein change: p.Glu873Val; replaces glutamic acid 873 with valine.
Molecular consequence: missense variant.
Genome position (GRCh38, 1-based): chr5:150,379,368, A>T. VCF-style: chr5-150379368-A-T. GRCh37 (hg19) VCF-style: chr5-149758931-A-T.
Other names: c.2387A>T, p.Glu796Val (NM_000356.4, NM_001135245.2); c.2618A>T, p.Glu873Val (NM_001008657.3, NM_001135243.2, NM_001135244.2 and 1 more transcripts); short protein forms E873V, E796V.
Identifiers: ClinVar variation 1380143 (VCV001380143.6), dbSNP rs1169974134, ClinGen allele CA361758668.